The following is an entry in ClinVar:

ClinVar aggregate classification (germline): Conflicting classifications of pathogenicity. Review status: criteria provided, conflicting classifications (1 of 4 stars). 2 submissions from 2 submitters: Uncertain significance (1); Likely benign (1). Last evaluated 2025-07-28.

Submissions (2):

Labcorp Genetics (formerly Invitae), Labcorp
Classification: Likely benign. Last evaluated: 2025-07-28. Review status: criteria provided, single submitter. Criteria: Invitae Variant Classification Sherloc (09022015). Collection method: clinical testing. Allele origin: germline.

Dasa
Classification: Uncertain significance. Last evaluated: 2025-05-30. Review status: criteria provided, single submitter. Criteria: DASA Assertion Criteria. Collection method: clinical testing. Allele origin: germline.
Comment: NM_025144.4(ALPK1):c.1652A>G (p.Gln551Arg) is a missense variant that results in the substitution of glutamine with arginine. This variant is absent from population databases. Computational prediction algorithms are consistent with a benign effect. The currently available literature and clinical evidence are not sufficient to establish a definitive association between this variant and the reported condition. Therefore, this variant is classified as a variant of uncertain significance.

NM_025144.4(ALPK1):c.1652A>G (p.Gln551Arg)

Gene: ALPK1 (alpha kinase 1; plus strand). Cytogenetic location: 4q25.
Variant type: single nucleotide variant.
Coding change: c.1652A>G on transcript NM_025144.4 (MANE Select); coding-DNA position 1652, A replaced by G.
Protein change: p.Gln551Arg; replaces glutamine 551 with arginine.
Molecular consequence: missense variant.
Genome position (GRCh38, 1-based): chr4:112,431,199, A>G. VCF-style: chr4-112431199-A-G. GRCh37 (hg19) VCF-style: chr4-113352355-A-G.
Other names: c.1652A>G, p.Gln551Arg (NM_001102406.2); c.1418A>G, p.Gln473Arg (NM_001253884.2); short protein forms Q473R, Q551R.
Identifiers: ClinVar variation 4777107 (VCV004777107.3).